The following is an entry in ClinVar:

NM_000416.3(IFNGR1):c.48G>A (p.Arg16=)

Gene: IFNGR1 (interferon gamma receptor 1; minus strand). Cytogenetic location: 6q23.3.
Variant type: single nucleotide variant.
Coding change: c.48G>A on transcript NM_000416.3 (MANE Select); coding-DNA position 48, G replaced by A.
Protein change: p.Arg16=; no amino-acid change (arginine 16 retained).
Molecular consequence: synonymous variant.
Genome position (GRCh38, 1-based): chr6:137,219,280, C>T on the plus strand (G>A on the coding strand, the complement: IFNGR1 is on the minus strand). VCF-style: chr6-137219280-C-T. GRCh37 (hg19) VCF-style: chr6-137540417-C-T.
Identifiers: ClinVar variation 355564 (VCV000355564.16), dbSNP rs11575931, ClinGen allele CA4019103.

ClinVar aggregate classification (germline): Benign/Likely benign. Review status: criteria provided, multiple submitters, no conflicts (2 of 4 stars). 3 submissions from 3 submitters: Benign (2); Likely benign (1). Last evaluated 2025-12-10.

Conditions:
Immunodeficiency 27A (IMD27A). Also called: IMMUNODEFICIENCY 27A, MYCOBACTERIOSIS, AUTOSOMAL RECESSIVE; IFNGR1 DEFICIENCY, AUTOSOMAL RECESSIVE. Identifiers: Orphanet 319569, Orphanet 99898, MedGen C4011949, MONDO:0008856, OMIM 209950.
Disseminated atypical mycobacterial infection. Identifiers: MedGen C0694566.

Allele frequency attached by ClinVar (database versions not stated): ESP Exome Variant Server 0.00015; gnomAD 0.00038 and 0.00068; TOPMed 0.00068; ExAC 0.00143; 1000 Genomes Project 30x 0.00328; 1000 Genomes Project 0.00359.
gnomAD v4.1: 1,025 of 1,611,992 alleles (0.064%); highest among the groups gnomAD compares: East Asian, 2.2%; 12 homozygotes.

Submissions (3):

Labcorp Genetics (formerly Invitae), Labcorp
Classification: Benign for Disseminated atypical mycobacterial infection. Last evaluated: 2025-12-10. Review status: criteria provided, single submitter. Criteria: Invitae Variant Classification Sherloc (09022015). Collection method: clinical testing. Allele origin: germline.

Women's Health and Genetics/Laboratory Corporation of America, LabCorp
Classification: Likely benign. Last evaluated: 2024-12-06. Review status: criteria provided, single submitter. Criteria: LabCorp Variant Classification Summary - May 2015. Collection method: clinical testing. Allele origin: germline.

Illumina Laboratory Services, Illumina
Classification: Benign for Immunodeficiency 27A. Last evaluated: 2018-01-13. Review status: criteria provided, single submitter. Criteria: ICSL Variant Classification Criteria 13 December 2019. Collection method: clinical testing. Allele origin: germline.
Comment: This variant was observed in the ICSL laboratory as part of a predisposition screen in an ostensibly healthy population. It had not been previously curated by ICSL or reported in the Human Gene Mutation Database (HGMD: prior to June 1st, 2018), and was therefore a candidate for classification through an automated scoring system. Utilizing variant allele frequency, disease prevalence and penetrance estimates, and inheritance mode, an automated score was calculated to assess if this variant is too frequent to cause the disease. Based on the score and internal cut-off values, a variant classified as benign is not then subjected to further curation. The score for this variant resulted in a classification of benign for this disease.

Literature cited by the submitters: PubMed 12743658 (cited by Women's Health and Genetics/Laboratory Corporation of America, LabCorp); PubMed 17251453 (cited by Women's Health and Genetics/Laboratory Corporation of America, LabCorp).